The following is an entry in ClinVar:

ClinVar aggregate classification (germline): Conflicting classifications of pathogenicity. Review status: criteria provided, conflicting classifications (1 of 4 stars). 3 submissions from 3 submitters: Uncertain significance (1); Likely benign (1). 1 of the submissions does not count toward it. Last evaluated 2026-01-28.

Conditions:
TWNK-related disorder. Also called: TWNK-related condition.

Allele frequency attached by ClinVar (database versions not stated): gnomAD 0.00007 and 0.00008; ESP Exome Variant Server 0.00008; TOPMed 0.00009; gnomAD exomes 0.00035; ExAC 0.00060.
gnomAD v4.1: 243 of 1,612,342 alleles (0.015%); highest among the groups gnomAD compares: Non-Finnish European, 0.017%; 1 homozygote.

Submissions (3):

Labcorp Genetics (formerly Invitae), Labcorp
Classification: Likely benign. Last evaluated: 2026-01-28. Review status: criteria provided, single submitter. Criteria: Invitae Variant Classification Sherloc (09022015). Collection method: clinical testing. Allele origin: germline.

GeneDx
Classification: Uncertain significance. Last evaluated: 2021-08-27. Review status: criteria provided, single submitter. Criteria: GeneDx Variant Classification Process June 2021. Collection method: clinical testing. Allele origin: germline. Affected: yes.
Comment: In silico analysis supports that this variant does not alter splicing; Has not been previously published as pathogenic or benign to our knowledge

PreventionGenetics, part of Exact Sciences
Classification: Likely benign for TWNK-related condition. Last evaluated: 2021-03-23. Review status: no assertion criteria provided. Collection method: clinical testing. Allele origin: germline. Not counted in ClinVar's aggregate classification.
Comment: This variant is classified as likely benign based on ACMG/AMP sequence variant interpretation guidelines (Richards et al. 2015 PMID: 25741868, with internal and published modifications).

NM_021830.5(TWNK):c.1485G>A (p.Arg495=)

Gene: TWNK (twinkle mtDNA helicase; plus strand). Cytogenetic location: 10q24.31.
Variant type: single nucleotide variant.
Coding change: c.1485G>A on transcript NM_021830.5 (MANE Select); coding-DNA position 1485, G replaced by A.
Protein change: p.Arg495=; no amino-acid change (arginine 495 retained).
Molecular consequence: synonymous variant. On other transcripts: non-coding transcript variant (5).
Genome position (GRCh38, 1-based): chr10:100,990,436, G>A. VCF-style: chr10-100990436-G-A. GRCh37 (hg19) VCF-style: chr10-102750193-G-A.
Other names: c.1485G>A, p.Arg495= (NM_001163812.2); c.123G>A, p.Arg41= (NM_001163813.2, NM_001163814.2, NM_001368275.1).
Identifiers: ClinVar variation 1253582 (VCV001253582.9), dbSNP rs202197777, ClinGen allele CA5653250.